The following is an entry in ClinVar:

NM_152703.5(SAMD9L):c.4280A>C (p.Tyr1427Ser)

Gene: SAMD9L (sterile alpha motif domain containing 9 like; minus strand). Cytogenetic location: 7q21.2.
Variant type: single nucleotide variant.
Coding change: c.4280A>C on transcript NM_152703.5 (MANE Select); coding-DNA position 4280, A replaced by C.
Protein change: p.Tyr1427Ser; replaces tyrosine 1427 with serine.
Molecular consequence: missense variant.
Genome position (GRCh38, 1-based): chr7:93,131,692, T>G on the plus strand (A>C on the coding strand, the complement: SAMD9L is on the minus strand). VCF-style: chr7-93131692-T-G. GRCh37 (hg19) VCF-style: chr7-92761005-T-G.
Other names: c.4280A>C, p.Tyr1427Ser (NM_001303496.3, NM_001303497.3, NM_001303498.3 and 5 more transcripts); short protein forms Y1427S.
Identifiers: ClinVar variation 4159466 (VCV004159466.1).

ClinVar aggregate classification (germline): Uncertain significance (1 of 4 stars; one submission).

Conditions:
Inborn genetic diseases. Identifiers: MedGen C0950123, MeSH D030342.

Submission:

Ambry Genetics
Classification: Uncertain significance for Inborn genetic diseases. Last evaluated: 2025-09-10. Review status: criteria provided, single submitter. Criteria: Ambry Variant Classification Scheme 2023. Collection method: clinical testing. Allele origin: germline.
Comment: The p.Y1427S variant (also known as c.4280A>C), located in coding exon 1 of the SAMD9L gene, results from an A to C substitution at nucleotide position 4280. The tyrosine at codon 1427 is replaced by serine, an amino acid with dissimilar properties. This amino acid position is conserved. In addition, this alteration is predicted to be tolerated by in silico analysis. Based on the available evidence, the clinical significance of this variant remains unclear.